The following is an entry in ClinVar:

NM_000027.4(AGA):c.179G>A (p.Gly60Asp)

Gene: AGA (aspartylglucosaminidase; minus strand). Cytogenetic location: 4q34.3.
Variant type: single nucleotide variant.
Coding change: c.179G>A on transcript NM_000027.4 (MANE Select); coding-DNA position 179, G replaced by A.
Protein change: p.Gly60Asp; replaces glycine 60 with aspartic acid.
Molecular consequence: missense variant. On other transcripts: non-coding transcript variant (1).
Genome position (GRCh38, 1-based): chr4:177,440,375, C>T on the plus strand (G>A on the coding strand, the complement: AGA is on the minus strand). VCF-style: chr4-177440375-C-T. GRCh37 (hg19) VCF-style: chr4-178361529-C-T.
Other names: c.179G>A, p.Gly60Asp (NM_001171988.2); short protein forms G60D.
Identifiers: ClinVar variation 222 (VCV000000222.13), dbSNP rs121964907, ClinGen allele CA114058.

ClinVar aggregate classification (germline): Likely pathogenic. Review status: criteria provided, multiple submitters, no conflicts (2 of 4 stars). 6 submissions from 6 submitters: Likely pathogenic (4). 2 of the submissions do not count toward it. Last evaluated 2024-04-23.

Conditions:
Aspartylglucosaminuria (AGU). Also called: AGA DEFICIENCY; Aspartylglucos-aminuria; Aspartylglucos-amidase (AGA) deficiency; GLYCOASPARAGINASE; GLYCOSYLASPARAGINASE DEFICIENCY. Identifiers: Orphanet 93, MedGen C0268225, MONDO:0008830, OMIM 208400, HP:0012068.

Allele frequency attached by ClinVar (database versions not stated): gnomAD exomes below 0.00001.
gnomAD v4.1: 1 of 1,614,076 alleles (0.000062%); highest among the groups gnomAD compares: Non-Finnish European, 0.000085%; no homozygotes.

Submissions (6):

Fulgent Genetics
Classification: Likely pathogenic for Aspartylglucosaminuria. Last evaluated: 2024-04-23. Review status: criteria provided, single submitter. Criteria: ACMG Guidelines, 2015. Collection method: clinical testing. Allele origin: germline.

Women's Health and Genetics/Laboratory Corporation of America, LabCorp
Classification: Likely pathogenic for Aspartylglucosaminuria. Last evaluated: 2024-04-20. Review status: criteria provided, single submitter. Criteria: LabCorp Variant Classification Summary - May 2015. Collection method: clinical testing. Allele origin: germline.
Comment: Variant summary: AGA c.179G>A (p.Gly60Asp) results in a non-conservative amino acid change in the encoded protein sequence. Five of five in-silico tools predict a damaging effect of the variant on protein function. The variant was absent in 251432 control chromosomes. c.179G>A has been reported in the literature as a homozygous genotype in at-least one individual affected with Aspartylglucosaminuria (Ikonen_1991). At least one publication reports experimental evidence evaluating an impact on protein function. The most pronounced variant effect results in < 10% of normal fibroblast AGA activity in a homozygous individual. The following publications have been ascertained in the context of this evaluation (PMID: 1722323, 11309371). ClinVar contains an entry for this variant (Variation ID: 222). Based on the evidence outlined above, the variant was classified as likely pathogenic.

Baylor Genetics
Classification: Likely pathogenic for Aspartylglucosaminuria. Last evaluated: 2022-05-15. Review status: criteria provided, single submitter. Criteria: ACMG Guidelines, 2015. Collection method: clinical testing. Allele origin: unknown.

Labcorp Genetics (formerly Invitae), Labcorp
Classification: Likely pathogenic for Aspartylglucosaminuria. Last evaluated: 2021-07-09. Review status: criteria provided, single submitter. Criteria: Invitae Variant Classification Sherloc (09022015). Collection method: clinical testing. Allele origin: germline.
Comment: This sequence change replaces glycine with aspartic acid at codon 60 of the AGA protein (p.Gly60Asp). The glycine residue is highly conserved and there is a moderate physicochemical difference between glycine and aspartic acid. This variant is not present in population databases (ExAC no frequency). This variant has been observed in individual(s) with aspartylglucosaminuria (PMID: 1722323). ClinVar contains an entry for this variant (Variation ID: 222). Algorithms developed to predict the effect of missense changes on protein structure and function (SIFT, PolyPhen-2, Align-GVGD) all suggest that this variant is likely to be disruptive. Experimental studies have shown that this variant affects AGA protein function (PMID: 11309371). In summary, the currently available evidence indicates that the variant is pathogenic, but additional data are needed to prove that conclusively. Therefore, this variant has been classified as Likely Pathogenic.

Counsyl
Classification: Uncertain significance for Aspartylglucosaminuria. Last evaluated: 2017-12-15. Review status: no assertion criteria provided. Collection method: clinical testing. Allele origin: unknown. Not counted in ClinVar's aggregate classification.

OMIM
Classification: Pathogenic for ASPARTYLGLUCOSAMINURIA. Last evaluated: 1991-12-15. Review status: no assertion criteria provided. Collection method: literature only. Allele origin: germline. Not counted in ClinVar's aggregate classification.

Literature cited by the submitters: PubMed 11309371 (cited by 3 submitters); PubMed 1722323 (cited by 4 submitters); PubMed 18992224 (cited by Counsyl); PubMed 2811876 (cited by OMIM).